The following is an entry in ClinVar:

ClinVar aggregate classification (germline): Uncertain significance. Review status: criteria provided, multiple submitters, no conflicts (2 of 4 stars). 2 submissions from 2 submitters: Uncertain significance (2). Last evaluated 2025-07-14.

Conditions:
Alstrom syndrome (ALMS). Identifiers: Orphanet 64, MedGen C0268425, MONDO:0008763, OMIM 203800.
ALMS1-related disorder. Also called: ALMS1-related condition.

Allele frequency attached by ClinVar (database versions not stated): gnomAD exomes below 0.00001.
gnomAD v4.1: 11 of 1,614,192 alleles (0.00068%); highest among the groups gnomAD compares: African/African-American, 0.0093%; no homozygotes.

Submissions (2):

PreventionGenetics, part of Exact Sciences
Classification: Uncertain significance for ALMS1-related condition. Last evaluated: 2025-07-14. Review status: criteria provided, single submitter. Criteria: ACMG Guidelines, 2015. Collection method: clinical testing. Allele origin: germline.
Comment: The ALMS1 c.10183A>G variant is predicted to result in the amino acid substitution p.Lys3395Glu. To our knowledge, this variant has not been reported in the literature. This variant is reported in 0.0041% of alleles in individuals of African descent in gnomAD. At this time, the clinical significance of this variant is uncertain due to the absence of conclusive functional and genetic evidence.

Labcorp Genetics (formerly Invitae), Labcorp
Classification: Uncertain significance for Alstrom syndrome. Last evaluated: 2024-02-26. Review status: criteria provided, single submitter. Criteria: Invitae Variant Classification Sherloc (09022015). Collection method: clinical testing. Allele origin: germline.
Comment: This sequence change replaces lysine, which is basic and polar, with glutamic acid, which is acidic and polar, at codon 3395 of the ALMS1 protein (p.Lys3395Glu). This variant is not present in population databases (gnomAD no frequency). This variant has not been reported in the literature in individuals affected with ALMS1-related conditions. ClinVar contains an entry for this variant (Variation ID: 337030). Algorithms developed to predict the effect of missense changes on protein structure and function output the following: SIFT: "Not Available"; PolyPhen-2: "Not Available"; Align-GVGD: "Not Available". The glutamic acid amino acid residue is found in multiple mammalian species, which suggests that this missense change does not adversely affect protein function. In summary, the available evidence is currently insufficient to determine the role of this variant in disease. Therefore, it has been classified as a Variant of Uncertain Significance.

NM_001378454.1(ALMS1):c.10180A>G (p.Lys3394Glu)

Gene: ALMS1 (ALMS1 centrosome and basal body associated protein; plus strand). Cytogenetic location: 2p13.1.
Variant type: single nucleotide variant.
Coding change: c.10180A>G on transcript NM_001378454.1 (MANE Select); coding-DNA position 10180, A replaced by G.
Protein change: p.Lys3394Glu; replaces lysine 3394 with glutamic acid.
Molecular consequence: missense variant.
Genome position (GRCh38, 1-based): chr2:73,557,321, A>G. VCF-style: chr2-73557321-A-G. GRCh37 (hg19) VCF-style: chr2-73784448-A-G.
Other names: c.10183A>G, p.Lys3395Glu (NM_015120.4); short protein forms K3395E, K3394E.
Identifiers: ClinVar variation 337030 (VCV000337030.8), dbSNP rs886056316, ClinGen allele CA10613953.
Genomic context (GRCh38, chr2:73,557,321, plus strand): 5'-TCAGACAAAAAACAGCAAGAGATTCACAGTACAAGGGCAGTGACTGAGGCTGCCCAGGCT[A>G]AAGAAAAAGAATCTTTGCAGAAAGATACTGCAGGTAGCTAAACTGGATTGTCTGCGTATT-3'
Protein context (NP_001365383.1, residues 3384-3404): TRAVTEAAQA[Lys3394Glu]EKESLQKDTA